The following is an entry in ClinVar:

ClinVar aggregate classification (germline): Pathogenic (1 of 4 stars; one submission).

Conditions:
Polycystic kidney disease 4 (PKD4). Also called: POLYCYSTIC KIDNEY AND HEPATIC DISEASE 1; POLYCYSTIC KIDNEY DISEASE, INFANTILE, TYPE I; POLYCYSTIC KIDNEY DISEASE 4 WITH OR WITHOUT POLYCYSTIC LIVER DISEASE; PKD3; Autosomal Recessive Polycystic Kidney Disease – PKHD1. Identifiers: MedGen C4540575, MONDO:0033004, OMIM 263200.

gnomAD v4.1: 1 of 1,613,854 alleles (0.000062%); highest among the groups gnomAD compares: Non-Finnish European, 0.000085%; no homozygotes.

Submission:

Myriad Genetics, Inc.
Classification: Pathogenic for Polycystic kidney disease 4. Last evaluated: 2023-08-07. Review status: criteria provided, single submitter. Criteria: Myriad Autosomal Dominant, Autosomal Recessive and X-Linked Classification Criteria (2023). Collection method: clinical testing. Allele origin: unknown.
Comment: NM_138694.3(PKHD1):c.1960G>T(E654*) is expected to be pathogenic in the context of autosomal recessive polycystic kidney disease, PKHD1-related. This variant is predicted to lead to an abnormal or absent protein product due to the creation of a premature termination codon in PKHD1, a gene where loss-of-function variants are known to be pathogenic. Please note: this variant was assessed in the context of healthy population screening.

NM_138694.4(PKHD1):c.1960G>T (p.Glu654Ter)

Gene: PKHD1 (PKHD1 ciliary IPT domain containing fibrocystin/polyductin; minus strand). Cytogenetic location: 6p12.2.
Variant type: single nucleotide variant.
Coding change: c.1960G>T on transcript NM_138694.4 (MANE Select); coding-DNA position 1960, G replaced by T.
Protein change: p.Glu654Ter; replaces glutamic acid 654 with a stop codon.
Molecular consequence: nonsense.
Genome position (GRCh38, 1-based): chr6:52,054,042, C>A on the plus strand (G>T on the coding strand, the complement: PKHD1 is on the minus strand). VCF-style: chr6-52054042-C-A. GRCh37 (hg19) VCF-style: chr6-51918840-C-A.
Other names: c.1960G>T, p.Glu654Ter (NM_170724.3); short protein forms E654*.
Identifiers: ClinVar variation 5013263 (VCV005013263.1).